The following is an entry in ClinVar:

NM_001127649.3(PEX26):c.-3_17delinsTGCAGCCCCCCTCAGGGGGCTCGGGG (p.Met1_Ser6delinsSerProProGlnGlyAlaArgGly)

Genes: PEX26 (peroxisomal biogenesis factor 26; plus strand), LOC130066940 (ATAC-STARR-seq lymphoblastoid silent region 13448; plus strand). Cytogenetic location: 22q11.21.
Variant type: Indel.
Coding change: c.-3_17delinsTGCAGCCCCCCTCAGGGGGCTCGGGG on transcript NM_001127649.3 (MANE Select); 3 bases upstream of the start codon through coding-DNA position 17, GTTATGAAGAGCGATTCTTC replaced by TGCAGCCCCCCTCAGGGGGCTCGGGG.
Protein change: p.Met1_Ser6delinsSerProProGlnGlyAlaArgGly.
Molecular consequence: initiator codon variant.
Genome position (GRCh38, 1-based): chr22:18,078,374-18,078,393, GTTATGAAGAGCGATTCTTC replaced by TGCAGCCCCCCTCAGGGGGCTCGGGG. GRCh37 (hg19): chr22:18,561,140-18,561,159.
Other names: c.-3_17delinsTGCAGCCCCCCTCAGGGGGCTCGGGG, p.Met1_Ser6delinsSerProProGlnGlyAlaArgGly (NM_001199319.2, NM_017929.6).
Identifiers: ClinVar variation 2934975 (VCV002934975.3), dbSNP rs2517662992, ClinGen allele CA2740094766.

ClinVar aggregate classification (germline): Likely pathogenic (1 of 4 stars; one submission).

Conditions:
Peroxisome biogenesis disorder 7A (Zellweger). Also called: Peroxisome biogenesis disorder 7A. Identifiers: Orphanet 912, MedGen C3888385, MONDO:0013938, OMIM 614872.
Peroxisome biogenesis disorder 7B (PBD7B). Identifiers: Orphanet 44, MedGen C3553951, MONDO:0013939, OMIM 614873.

Submission:

Labcorp Genetics (formerly Invitae), Labcorp
Classification: Likely pathogenic for Peroxisome biogenesis disorder 7A (Zellweger); Peroxisome biogenesis disorder 7B. Last evaluated: 2021-06-07. Review status: criteria provided, single submitter. Criteria: Invitae Variant Classification Sherloc (09022015). Collection method: clinical testing. Allele origin: germline.
Comment: This variant is not present in population databases (ExAC no frequency). This sequence change affects the initiator methionine of the PEX26 mRNA. The next in-frame methionine is located at codon 96. In summary, the currently available evidence indicates that the variant is pathogenic, but additional data are needed to prove that conclusively. Therefore, this variant has been classified as Likely Pathogenic. This variant disrupts the initiator methionine in PEX26. If translation initiates from the next in-frame methionine, the PEX26 protein would no longer include the region containing the p.Gly89 amino acid residue. Other variant(s) that disrupt this residue have been observed in individuals with PEX26-related conditions (PMID: 12851857), which suggests that this residue is clinically significant, and that variants that disrupt this residue are likely to be disease-causing. Disruption of the initiator codon has been observed in individual(s) with clinical features of Zellweger spectrum disorder (PMID: 12851857, 28944237).

Literature cited by the submitters: PubMed 12851857; PubMed 28944237.